The following is an entry in ClinVar:

NM_033004.4(NLRP1):c.653-3T>A

Gene: NLRP1 (NLR family pyrin domain containing 1; minus strand). Cytogenetic location: 17p13.2.
Variant type: single nucleotide variant.
Coding change: c.653-3T>A on transcript NM_033004.4 (MANE Select); 3 bases into the intron before coding-DNA position 653, T replaced by A.
Molecular consequence: intron variant.
Genome position (GRCh38, 1-based): chr17:5,560,046, A>T on the plus strand (T>A on the coding strand, the complement: NLRP1 is on the minus strand). VCF-style: chr17-5560046-A-T. GRCh37 (hg19) VCF-style: chr17-5463366-A-T.
Other names: c.653-3T>A (NM_001033053.3, NM_033007.4, NM_033006.4 and 1 more transcripts).
Identifiers: ClinVar variation 2883265 (VCV002883265.3), dbSNP rs1597460868, ClinGen allele CA2244933731.

ClinVar aggregate classification (germline): Uncertain significance (1 of 4 stars; one submission).

Allele frequency attached by ClinVar (database versions not stated): TOPMed below 0.00001; gnomAD exomes 0.00001.
gnomAD v4.1: 3 of 1,548,802 alleles (0.00019%); highest among the groups gnomAD compares: South Asian, 0.0025%; no homozygotes.

Submission:

Labcorp Genetics (formerly Invitae), Labcorp
Classification: Uncertain significance. Last evaluated: 2023-12-23. Review status: criteria provided, single submitter. Criteria: Invitae Variant Classification Sherloc (09022015). Collection method: clinical testing. Allele origin: germline.
Comment: This sequence change falls in intron 3 of the NLRP1 gene. It does not directly change the encoded amino acid sequence of the NLRP1 protein. It affects a nucleotide within the consensus splice site. This variant is not present in population databases (gnomAD no frequency). This variant has not been reported in the literature in individuals affected with NLRP1-related conditions. Variants that disrupt the consensus splice site are a relatively common cause of aberrant splicing (PMID: 17576681, 9536098). Algorithms developed to predict the effect of sequence changes on RNA splicing suggest that this variant may disrupt the consensus splice site. In summary, the available evidence is currently insufficient to determine the role of this variant in disease. Therefore, it has been classified as a Variant of Uncertain Significance.

Literature cited by the submitters: PubMed 17576681; PubMed 9536098.